The following is an entry in ClinVar:

ClinVar aggregate classification (germline): Uncertain significance (1 of 4 stars; one submission).

gnomAD v4.1: 2 of 1,614,172 alleles (0.00012%); highest among the groups gnomAD compares: African/African-American, 0.0013%; no homozygotes.

Submission:

CeGaT Center for Human Genetics Tuebingen
Classification: Uncertain significance. Last evaluated: 2025-07-01. Review status: criteria provided, single submitter. Criteria: CeGaT Center For Human Genetics Tuebingen Variant Classification Criteria Version 2. Collection method: clinical testing. Allele origin: germline. Affected: yes. Observed: 1 variant allele.
Comment: ATP7B: PM2

NM_000053.4(ATP7B):c.3491A>T (p.Asp1164Val)

Gene: ATP7B (ATPase copper transporting beta; minus strand). Cytogenetic location: 13q14.3.
Variant type: single nucleotide variant.
Coding change: c.3491A>T on transcript NM_000053.4 (MANE Select); coding-DNA position 3491, A replaced by T.
Protein change: p.Asp1164Val; replaces aspartic acid 1164 with valine.
Molecular consequence: missense variant. On other transcripts: intron variant (2).
Genome position (GRCh38, 1-based): chr13:51,941,146, T>A on the plus strand (A>T on the coding strand, the complement: ATP7B is on the minus strand). VCF-style: chr13-51941146-T-A. GRCh37 (hg19) VCF-style: chr13-52515282-T-A.
Other names: c.2870A>T, p.Asp957Val (NM_001005918.3); c.3158A>T, p.Asp1053Val (NM_001243182.2); c.3257A>T, p.Asp1086Val (NM_001330578.2, NM_001406527.1, NM_001406528.1); c.3239A>T, p.Asp1080Val (NM_001330579.2, NM_001406531.1, NM_001406532.1); c.3491A>T, p.Asp1164Val (NM_001406511.1, NM_001406512.1, NM_001406526.1); c.3485A>T, p.Asp1162Val (NM_001406513.1); c.3458A>T, p.Asp1153Val (NM_001406514.1); c.3437A>T, p.Asp1146Val (NM_001406515.1, NM_001406516.1); and 20 more; short protein forms D1002V, D1015V, D1021V, D1051V, D1053V, D1054V, D1068V, D1080V.
Identifiers: ClinVar variation 4085573 (VCV004085573.8).